The following is an entry in ClinVar:

NM_001271696.3(ABCB7):c.289C>T (p.His97Tyr)

Gene: ABCB7 (ATP binding cassette subfamily B member 7; minus strand). Cytogenetic location: Xq13.3.
Variant type: single nucleotide variant.
Coding change: c.289C>T on transcript NM_001271696.3 (MANE Select); coding-DNA position 289, C replaced by T.
Protein change: p.His97Tyr; replaces histidine 97 with tyrosine.
Molecular consequence: missense variant.
Genome position (GRCh38, 1-based): chrX:75,112,930, G>A on the plus strand (C>T on the coding strand, the complement: ABCB7 is on the minus strand). VCF-style: chrX-75112930-G-A. GRCh37 (hg19) VCF-style: chrX-74332765-G-A.
Other names: p.H98Y:CAT>TAT; c.289C>T, p.His97Tyr (NM_001271697.3); c.211C>T, p.His71Tyr (NM_001271698.3); c.292C>T, p.His98Tyr (NM_001271699.3, NM_004299.6); short protein forms H98Y, H97Y, H71Y.
Identifiers: ClinVar variation 213979 (VCV000213979.2), dbSNP rs863223865, ClinGen allele CA321690.

ClinVar aggregate classification (germline): Uncertain significance (1 of 4 stars; one submission).

Submission:

GeneDx
Classification: Uncertain significance. Last evaluated: 2013-06-18. Review status: criteria provided, single submitter. Criteria: GeneDx Variant Classification (06012015). Collection method: clinical testing. Allele origin: germline. Affected: yes.
Comment: p.His98Tyr (CAT>TAT): c.292 C>T in exon 3 of the ABCB7 gene (NM_004299.3). The H98Y missense substitution has not been published as a mutation, nor has it been reported as a benign polymorphism to our knowledge. The amino acid change is non-conservative as a positively charged Histidine residue is replaced by an uncharged Tyrosine residue. This change occurs at a position in the ABCB7 gene that is highly conserved. In-silico analyses are not consistent in their predictions of whether or not H98Y is damaging to the ABCB7 protein. Therefore, based on the currently available information, it is unclear whether H98Y is a disease-causing mutation or a rare benign variant. The variant is found in MITONUC-MITOP panel(s).